The following is an entry in ClinVar:

ClinVar aggregate classification (germline): Uncertain significance (1 of 4 stars; one submission).

Conditions:
Birt-Hogg-Dube syndrome. Also called: Birt Hogg Dubé syndrome. Identifiers: Orphanet 122, MedGen C0346010, MONDO:0800444.

Submission:

Labcorp Genetics (formerly Invitae), Labcorp
Classification: Uncertain significance for Birt-Hogg-Dube syndrome. Last evaluated: 2022-07-19. Review status: criteria provided, single submitter. Criteria: Invitae Variant Classification Sherloc (09022015). Collection method: clinical testing. Allele origin: germline.
Comment: ClinVar contains an entry for this variant (Variation ID: 1467025). In summary, the available evidence is currently insufficient to determine the role of this variant in disease. Therefore, it has been classified as a Variant of Uncertain Significance. Algorithms developed to predict the effect of missense changes on protein structure and function are either unavailable or do not agree on the potential impact of this missense change (SIFT: "Tolerated"; PolyPhen-2: "Probably Damaging"; Align-GVGD: "Class C0"). This variant has not been reported in the literature in individuals affected with FLCN-related conditions. This variant is not present in population databases (gnomAD no frequency). This sequence change replaces isoleucine, which is neutral and non-polar, with methionine, which is neutral and non-polar, at codon 183 of the FLCN protein (p.Ile183Met).

NM_144997.7(FLCN):c.549C>G (p.Ile183Met)

Gene: FLCN (folliculin; minus strand). Cytogenetic location: 17p11.2.
Variant type: single nucleotide variant.
Coding change: c.549C>G on transcript NM_144997.7 (MANE Select); coding-DNA position 549, C replaced by G.
Protein change: p.Ile183Met; replaces isoleucine 183 with methionine.
Molecular consequence: missense variant.
Genome position (GRCh38, 1-based): chr17:17,223,991, G>C on the plus strand (C>G on the coding strand, the complement: FLCN is on the minus strand). VCF-style: chr17-17223991-G-C. GRCh37 (hg19) VCF-style: chr17-17127305-G-C.
Other names: c.603C>G, p.Ile201Met (NM_001353229.2); c.549C>G, p.Ile183Met (NM_001353230.2, NM_001353231.2, NM_144606.7); short protein forms I183M, I201M.
Identifiers: ClinVar variation 1467025 (VCV001467025.6), dbSNP rs1278501001, ClinGen allele CA398534310.
Genomic context (GRCh38, chr17:17,223,991, plus strand): 5'-CTTGCCCTGGAGCTCATCGATGATTCCCCGGACCTTCCCCAGCAGGAAGGGCCAGGAGTT[G>C]ATGAGGTAGATCCGGTCCATCATGATGGTGATGATGCTGTACCAGCGCTGGAAGCCCCTG-3'
Protein context (NP_659434.2, residues 173-193): ITIMMDRIYL[Ile183Met]NSWPFLLGKV